The following is an entry in ClinVar:

NM_004183.4(BEST1):c.874G>A (p.Glu292Lys)

Gene: BEST1 (bestrophin 1; plus strand). Cytogenetic location: 11q12.3.
Variant type: single nucleotide variant.
Coding change: c.874G>A on transcript NM_004183.4 (MANE Select); coding-DNA position 874, G replaced by A.
Protein change: p.Glu292Lys; replaces glutamic acid 292 with lysine.
Molecular consequence: missense variant. On other transcripts: synonymous variant (1), non-coding transcript variant (1), intron variant (1).
Genome position (GRCh38, 1-based): chr11:61,959,504, G>A. VCF-style: chr11-61959504-G-A. GRCh37 (hg19) VCF-style: chr11-61726976-G-A.
Other names: c.694G>A, p.Glu232Lys (NM_001139443.3, NM_001300787.2); c.556G>A, p.Glu186Lys (NM_001363591.3); c.1077G>A, p.Gln359= (NM_001363592.2); c.-99G>A (NM_001363593.3); c.688-388G>A (NM_001300786.2); short protein forms E292K, E186K, E232K.
Identifiers: ClinVar variation 265047 (VCV000265047.15), dbSNP rs886039311, ClinGen allele CA10588524.
Genomic context (GRCh38, chr11:61,959,504, plus strand): 5'-GCTGGCTTTGAGGAGTTCTGCCTGAGGGTTTACAGAGCCTCACCTGTCCCCAAGGTGGCA[G>A]AGCAGCTCATCAACCCCTTTGGAGAGGATGATGATGATTTTGAGACCAACTGGATTGTCG-3'
Protein context (NP_004174.1, residues 282-302): FFYVGWLKVA[Glu292Lys]QLINPFGEDD

ClinVar aggregate classification (germline): Pathogenic/Likely pathogenic. Review status: criteria provided, multiple submitters, no conflicts (2 of 4 stars). 4 submissions from 4 submitters: Pathogenic (2); Likely pathogenic (1). 1 of the submissions does not count toward it. Last evaluated 2023-02-17.

Conditions:
BEST1-related disorder. Also called: BEST1-related condition; BEST1-related disorders. Identifiers: MedGen CN239200.
Vitelliform macular dystrophy 2. Also called: Best vitelliform macular dystrophy, multifocal; Best Macular Dystrophy; Best Vitelliform Macular Dystrophy (BVMD); MACULAR DEGENERATION, POLYMORPHIC VITELLINE; VITELLIFORM MACULAR DYSTROPHY, EARLY-ONSET; VITELLIFORM MACULAR DYSTROPHY, JUVENILE-ONSET. Identifiers: Orphanet 1243, MedGen C2745945, MONDO:0007931, OMIM 153700.

Allele frequency attached by ClinVar (database versions not stated): gnomAD exomes below 0.00001.
gnomAD v4.1: 2 of 1,614,194 alleles (0.00012%); highest among the groups gnomAD compares: Non-Finnish European, 0.00017%; no homozygotes.

Submissions (4):

Blueprint Genetics
Classification: Pathogenic for BEST1-related disorders. Last evaluated: 2023-02-17. Review status: criteria provided, single submitter. Criteria: ACMG Guidelines, 2015. Collection method: clinical testing. Allele origin: germline. Affected: yes. Observed: 5 variant alleles.

Labcorp Genetics (formerly Invitae), Labcorp
Classification: Pathogenic. Last evaluated: 2022-10-17. Review status: criteria provided, single submitter. Criteria: Invitae Variant Classification Sherloc (09022015). Collection method: clinical testing. Allele origin: germline.
Comment: ClinVar contains an entry for this variant (Variation ID: 265047). Advanced modeling of protein sequence and biophysical properties (such as structural, functional, and spatial information, amino acid conservation, physicochemical variation, residue mobility, and thermodynamic stability) performed at Invitae indicates that this missense variant is expected to disrupt BEST1 protein function. For these reasons, this variant has been classified as Pathogenic. This sequence change replaces glutamic acid, which is acidic and polar, with lysine, which is basic and polar, at codon 292 of the BEST1 protein (p.Glu292Lys). This variant is not present in population databases (gnomAD no frequency). This missense change has been observed in individuals with autosomal dominant Best vitelliform macular dystrophy (PMID: 19597114, 21473666, 27078032).

GeneDx
Classification: Likely pathogenic. Last evaluated: 2016-02-29. Review status: criteria provided, single submitter. Criteria: GeneDx Variant Classification (06012015). Collection method: clinical testing. Allele origin: germline. Affected: yes.
Comment: The E292K variant in the BEST1 gene has been reported previously in association with autosomal dominant Best disease (Sohn et al., 2009). This variant was not observed in approximately 6500 individuals of European and African American ancestry in the NHLBI Exome Sequencing Project, indicating it is not a common benign variant in these populations. The E292K variant is a non-conservative amino acid substitution, which is likely to impact secondary protein structure as these residues differ in polarity, charge, size and/or other properties. This substitution occurs at a position that is conserved across species, and in silico analysis predicts this variant is probably damaging to the protein structure/function. The E292K variant is a strong candidate for a pathogenic variant, however the possibility it may be a rare benign variant cannot be excluded.

Sharon lab, Hadassah-Hebrew University Medical Center
Classification: Pathogenic for Best disease. Last evaluated: 2019-06-23. Review status: no assertion criteria provided. Collection method: research. Allele origin: inherited. Affected: yes. Not counted in ClinVar's aggregate classification.

Literature cited by the submitters: PubMed 19597114 (cited by Labcorp Genetics (formerly Invitae), Labcorp); PubMed 21473666 (cited by Labcorp Genetics (formerly Invitae), Labcorp); PubMed 27078032 (cited by Labcorp Genetics (formerly Invitae), Labcorp).